The following is an entry in ClinVar:

NM_025191.4(EDEM3):c.147A>G (p.Lys49=)

Genes: EDEM3 (ER degradation enhancing alpha-mannosidase like protein 3; minus strand), LOC129932108 (ATAC-STARR-seq lymphoblastoid active region 2237; plus strand). Cytogenetic location: 1q25.3.
Variant type: single nucleotide variant.
Coding change: c.147A>G on transcript NM_025191.4 (MANE Select); coding-DNA position 147, A replaced by G.
Protein change: p.Lys49=; no amino-acid change (lysine 49 retained).
Molecular consequence: synonymous variant. On other transcripts: non-coding transcript variant (1).
Genome position (GRCh38, 1-based): chr1:184,754,500, T>C on the plus strand (A>G on the coding strand, the complement: EDEM3 is on the minus strand). VCF-style: chr1-184754500-T-C. GRCh37 (hg19) VCF-style: chr1-184723634-T-C.
Other names: c.147A>G, p.Lys49= (NM_001319960.2).
Identifiers: ClinVar variation 2639637 (VCV002639637.24), dbSNP rs145069692, ClinGen allele CA1287796.
Genomic context (GRCh38, chr1:184,754,500, plus strand): 5'-TGTTGTCAGCCTCACCGAGAAACCCACCCCAGGCTGCCAGCACCCTTACCCAAGCTTCTG[T>C]TTCTCCTCCCTACTCATGGGCTCGGCCCCCGCCGTCCACACGGAGGTGGCCGACACCAGG-3'
Protein context (NP_079467.3, residues 39-59): AGAEPMSREE[Lys49=]QKLGNQVLEM

ClinVar aggregate classification (germline): Likely benign (1 of 4 stars; one submission).

Allele frequency attached by ClinVar (database versions not stated): 1000 Genomes Project 0.00020; gnomAD 0.00106; ExAC 0.00114; TOPMed 0.00130; ESP Exome Variant Server 0.00138.
gnomAD v4.1: 1,930 of 1,612,466 alleles (0.12%); highest among the groups gnomAD compares: Middle Eastern, 0.53%; 9 homozygotes.

Submission:

CeGaT Center for Human Genetics Tuebingen
Classification: Likely benign. Last evaluated: 2023-02-01. Review status: criteria provided, single submitter. Criteria: CeGaT Center For Human Genetics Tuebingen Variant Classification Criteria Version 2. Collection method: clinical testing. Allele origin: germline. Affected: yes. Observed: 1 variant allele.
Comment: EDEM3: BP4, BP7